The following is an entry in ClinVar:

NM_017777.4(MKS1):c.80+14C>T

Genes: MKS1 (MKS transition zone complex subunit 1; minus strand), LOC130061271 (ATAC-STARR-seq lymphoblastoid active region 12461; plus strand). Cytogenetic location: 17q22.
Variant type: single nucleotide variant.
Coding change: c.80+14C>T on transcript NM_017777.4 (MANE Select); 14 bases into the intron after coding-DNA position 80, C replaced by T.
Molecular consequence: intron variant.
Genome position (GRCh38, 1-based): chr17:58,219,137, G>A on the plus strand (C>T on the coding strand, the complement: MKS1 is on the minus strand). VCF-style: chr17-58219137-G-A. GRCh37 (hg19) VCF-style: chr17-56296498-G-A.
Other names: c.-432+14C>T (NM_001321268.2); c.80+14C>T (NM_001330397.2, NM_001321269.2).
Identifiers: ClinVar variation 509351 (VCV000509351.13), dbSNP rs761061379, ClinGen allele CA8669662.

ClinVar aggregate classification (germline): Likely benign. Review status: criteria provided, multiple submitters, no conflicts (2 of 4 stars). 4 submissions from 4 submitters: Likely benign (3). 1 of the submissions does not count toward it. Last evaluated 2026-01-22.

Conditions:
MKS1-related disorder. Also called: MKS1-related condition; MKS1-related disorders. Identifiers: MedGen CN239382.
Joubert syndrome. Also called: Familial aplasia of the vermis; JOUBERT-BOLTSHAUSER SYNDROME. Identifiers: Orphanet 475, MedGen C5979921, MONDO:0018772.
Meckel-Gruber syndrome. Also called: DYSENCEPHALIA SPLANCHNOCYSTICA; GRUBER SYNDROME; Dysencephalia splachnocystica. Identifiers: Orphanet 564, MedGen C0265215, MONDO:0018921.

Allele frequency attached by ClinVar (database versions not stated): ExAC 0.00006; TOPMed 0.00009; gnomAD exomes 0.00027; 1000 Genomes Project 30x 0.00047.
gnomAD v4.1: 188 of 1,550,966 alleles (0.012%); highest among the groups gnomAD compares: Middle Eastern, 0.067%; no homozygotes.

Submissions (4):

Labcorp Genetics (formerly Invitae), Labcorp
Classification: Likely benign for Joubert syndrome; Meckel-Gruber syndrome. Last evaluated: 2026-01-22. Review status: criteria provided, single submitter. Criteria: Invitae Variant Classification Sherloc (09022015). Collection method: clinical testing. Allele origin: germline.

Blueprint Genetics
Classification: Likely benign. Last evaluated: 2022-10-14. Review status: criteria provided, single submitter. Criteria: ACMG Guidelines, 2015. Collection method: clinical testing. Allele origin: germline.

GeneDx
Classification: Likely benign. Last evaluated: 2017-05-05. Review status: criteria provided, single submitter. Criteria: GeneDx Variant Classification (06012015). Collection method: clinical testing. Allele origin: germline. Affected: yes.
Comment: This variant is considered likely benign or benign based on one or more of the following criteria: it is a conservative change, it occurs at a poorly conserved position in the protein, it is predicted to be benign by multiple in silico algorithms, and/or has population frequency not consistent with disease.

PreventionGenetics, part of Exact Sciences
Classification: Likely benign for MKS1-related condition. Last evaluated: 2021-08-19. Review status: no assertion criteria provided. Collection method: clinical testing. Allele origin: germline. Not counted in ClinVar's aggregate classification.
Comment: This variant is classified as likely benign based on ACMG/AMP sequence variant interpretation guidelines (Richards et al. 2015 PMID: 25741868, with internal and published modifications).